The following is an entry in ClinVar:

NM_001134407.3(GRIN2A):c.1454A>G (p.His485Arg)

Gene: GRIN2A (glutamate ionotropic receptor NMDA type subunit 2A; minus strand). Cytogenetic location: 16p13.2.
Variant type: single nucleotide variant.
Coding change: c.1454A>G on transcript NM_001134407.3 (MANE Select); coding-DNA position 1454, A replaced by G.
Protein change: p.His485Arg; replaces histidine 485 with arginine.
Molecular consequence: missense variant.
Genome position (GRCh38, 1-based): chr16:9,840,979, T>C on the plus strand (A>G on the coding strand, the complement: GRIN2A is on the minus strand). VCF-style: chr16-9840979-T-C. GRCh37 (hg19) VCF-style: chr16-9934836-T-C.
Other names: c.1454A>G, p.His485Arg (NM_000833.5, NM_001134408.2); short protein forms H485R.
Identifiers: ClinVar variation 1409994 (VCV001409994.8), dbSNP rs2141345000, ClinGen allele CA394800616.
Genomic context (GRCh38, chr16:9,840,979, plus strand): 5'-ATGAAAAGATAACTTACTTCACCGATCATTCCATTCCACACATTGTTAACTTTCTTGCCA[T>C]GCTTCCCATTGGTCACCAGATAGAGGTCGTAAGTAAACTTCACAGTTCTGGAAAGCTTCT-3'
Protein context (NP_001127879.1, residues 475-495): YDLYLVTNGK[His485Arg]GKKVNNVWNG

ClinVar aggregate classification (germline): Uncertain significance (1 of 4 stars; one submission).

Conditions:
Landau-Kleffner syndrome (FESD). Also called: APHASIA, ACQUIRED, WITH EPILEPSY; EPILEPSY, FOCAL, WITH SPEECH DISORDER AND WITH OR WITHOUT MENTAL RETARDATION. Identifiers: Orphanet 1945, Orphanet 725, Orphanet 98818, MedGen C0282512, MONDO:0009509, OMIM 245570.

Submission:

Labcorp Genetics (formerly Invitae), Labcorp
Classification: Uncertain significance for Landau-Kleffner syndrome. Last evaluated: 2021-02-17. Review status: criteria provided, single submitter. Criteria: Invitae Variant Classification Sherloc (09022015). Collection method: clinical testing. Allele origin: germline.
Comment: In summary, the available evidence is currently insufficient to determine the role of this variant in disease. Therefore, it has been classified as a Variant of Uncertain Significance. Advanced modeling of protein sequence and biophysical properties (such as structural, functional, and spatial information, amino acid conservation, physicochemical variation, residue mobility, and thermodynamic stability) performed at Invitae indicates that this missense variant is expected to disrupt GRIN2A protein function. This variant has not been reported in the literature in individuals with GRIN2A-related conditions. This variant is not present in population databases (ExAC no frequency). This sequence change replaces histidine with arginine at codon 485 of the GRIN2A protein (p.His485Arg). The histidine residue is highly conserved and there is a small physicochemical difference between histidine and arginine.